The following is an entry in ClinVar:

NM_004285.4(H6PD):c.1933C>T (p.Arg645Trp)

Gene: H6PD (hexose-6-phosphate dehydrogenase/glucose 1-dehydrogenase; plus strand). Cytogenetic location: 1p36.22.
Variant type: single nucleotide variant.
Coding change: c.1933C>T on transcript NM_004285.4 (MANE Select); coding-DNA position 1933, C replaced by T.
Protein change: p.Arg645Trp; replaces arginine 645 with tryptophan.
Molecular consequence: missense variant.
Genome position (GRCh38, 1-based): chr1:9,264,426, C>T. VCF-style: chr1-9264426-C-T. GRCh37 (hg19) VCF-style: chr1-9324485-C-T.
Other names: c.1966C>T, p.Arg656Trp (NM_001282587.2); short protein forms R645W, R656W.
Identifiers: ClinVar variation 781772 (VCV000781772.30), dbSNP rs146595089, ClinGen allele CA575471.

ClinVar aggregate classification (germline): Likely benign. Review status: criteria provided, multiple submitters, no conflicts (2 of 4 stars). 3 submissions from 3 submitters: Likely benign (3). Last evaluated 2025-09-11.

Allele frequency attached by ClinVar (database versions not stated): ExAC 0.00080; gnomAD exomes 0.00108 and 0.00061; ESP Exome Variant Server 0.00038; TOPMed 0.00055; gnomAD 0.00071 and 0.00074.
gnomAD v4.1: 1,068 of 1,612,990 alleles (0.066%); highest among the groups gnomAD compares: Middle Eastern, 0.39%; 12 homozygotes.

Submissions (3):

Labcorp Genetics (formerly Invitae), Labcorp
Classification: Likely benign. Last evaluated: 2025-09-11. Review status: criteria provided, single submitter. Criteria: Invitae Variant Classification Sherloc (09022015). Collection method: clinical testing. Allele origin: germline.

CeGaT Center for Human Genetics Tuebingen
Classification: Likely benign. Last evaluated: 2023-04-01. Review status: criteria provided, single submitter. Criteria: CeGaT Center For Human Genetics Tuebingen Variant Classification Criteria Version 2. Collection method: clinical testing. Allele origin: germline. Affected: yes. Observed: 1 variant allele.
Comment: H6PD: BP4

Breakthrough Genomics
Classification: Likely benign. Review status: criteria provided, single submitter. Criteria: ACMG Guidelines, 2015. Collection method: not provided. Allele origin: germline. Inheritance: Autosomal recessive inheritance. Affected: yes.